The following is an entry in ClinVar:

ClinVar aggregate classification (germline): Uncertain significance (1 of 4 stars; one submission).

Conditions:
Hermansky-Pudlak syndrome 2 (HPS2). Also called: Platelet defects and oculocutaneous albinism. Identifiers: Orphanet 183678, Orphanet 79430, MedGen C1842362, MONDO:0011997, OMIM 608233.

Submission:

Labcorp Genetics (formerly Invitae), Labcorp
Classification: Uncertain significance for Hermansky-Pudlak syndrome 2. Last evaluated: 2021-05-08. Review status: criteria provided, single submitter. Criteria: Invitae Variant Classification Sherloc (09022015). Collection method: clinical testing. Allele origin: germline.
Comment: In summary, the available evidence is currently insufficient to determine the role of this variant in disease. Therefore, it has been classified as a Variant of Uncertain Significance. Nucleotide substitutions within the consensus splice site are a relatively common cause of aberrant splicing (PMID: 17576681, 9536098). Algorithms developed to predict the effect of sequence changes on RNA splicing suggest that this variant may disrupt the consensus splice site, but this prediction has not been confirmed by published transcriptional studies. Algorithms developed to predict the effect of missense changes on protein structure and function are either unavailable or do not agree on the potential impact of this missense change (SIFT: "Deleterious"; PolyPhen-2: "Probably Damaging"; Align-GVGD: "Class C0"). This variant has not been reported in the literature in individuals with AP3B1-related conditions. This variant is not present in population databases (ExAC no frequency). This sequence change replaces glutamine with histidine at codon 410 of the AP3B1 protein (p.Gln410His). The glutamine residue is highly conserved and there is a small physicochemical difference between glutamine and histidine. This variant also falls at the last nucleotide of exon 12, which is part of the consensus splice site for this exon.

Literature cited by the submitters: PubMed 17576681; PubMed 9536098.

NM_003664.5(AP3B1):c.1230G>C (p.Gln410His)

Gene: AP3B1 (adaptor related protein complex 3 subunit beta 1; minus strand). Cytogenetic location: 5q14.1.
Variant type: single nucleotide variant.
Coding change: c.1230G>C on transcript NM_003664.5 (MANE Select); coding-DNA position 1230, G replaced by C.
Protein change: p.Gln410His; replaces glutamine 410 with histidine.
Molecular consequence: missense variant.
Genome position (GRCh38, 1-based): chr5:78,165,610, C>G on the plus strand (G>C on the coding strand, the complement: AP3B1 is on the minus strand). VCF-style: chr5-78165610-C-G. GRCh37 (hg19) VCF-style: chr5-77461434-C-G.
Other names: c.1083G>C, p.Gln361His (NM_001271769.2); short protein forms Q410H, Q361H.
Identifiers: ClinVar variation 1463526 (VCV001463526.8), dbSNP rs2112377230, ClinGen allele CA360190507.